The following is an entry in ClinVar:

NM_080916.3(DGUOK):c.707+3_707+6del

Gene: DGUOK (deoxyguanosine kinase; plus strand). Cytogenetic location: 2p13.1.
Variant type: Microsatellite.
Coding change: c.707+3_707+6del on transcript NM_080916.3 (MANE Select); bases 3 to 6 of the intron after coding-DNA position 707, 4 bases deleted (AAGT; older notation c.707+3_707+6delAAGT).
Molecular consequence: splice donor variant. On other transcripts: intron variant (2).
Genome position (GRCh38, 1-based): chr2:73,957,243-73,957,246, AAGT deleted; deleting any 4 consecutive bases within chr2:73,957,239-73,957,246 gives the same sequence; the c. name uses the placement nearest the transcript's 3' end. VCF-style (leftmost placement, unchanged base first): chr2-73957238-GAAGT-G. GRCh37 (hg19) VCF-style: chr2-74184365-GAAGT-G.
Other names: c.706_707+2del (NM_080916.3); c.416+3_416+6del (NM_001318861.2, NM_001318860.2); c.398+3_398+6del (NM_001318862.2, NM_001318863.2); c.444-903_444-900del (NM_080918.3); c.426-903_426-900del (NM_001318859.2).
Identifiers: ClinVar variation 871763 (VCV000871763.43), ClinGen allele CA1139657119.

ClinVar aggregate classification (germline): Pathogenic. Review status: criteria provided, multiple submitters, no conflicts (2 of 4 stars). 2 submissions from 2 submitters: Pathogenic (2). Last evaluated 2021-10-04.

Conditions:
Mitochondrial DNA depletion syndrome 3 (hepatocerebral type). Also called: Mitochondrial DNA depletion syndrome, hepatocerebral form due to DGUOK deficiency; Deoxyguanosine Kinase Deficiency; MITOCHONDRIAL DNA DEPLETION SYNDROME 3. Identifiers: Orphanet 279934, MedGen CN074093, MONDO:0009636, OMIM 251880.

Submissions (2):

MGZ Medical Genetics Center
Classification: Pathogenic for Mitochondrial DNA depletion syndrome 3 (hepatocerebral type). Last evaluated: 2021-10-04. Review status: criteria provided, single submitter. Criteria: ACMG Guidelines, 2015. Collection method: clinical testing. Allele origin: germline. Affected: yes. Observed: 1 variant allele.
Comment: ACMG criteria applied: PVS1, PM2_SUP, PM3_SUP

CeGaT Center for Human Genetics Tuebingen
Classification: Pathogenic. Last evaluated: 2018-10-01. Review status: criteria provided, single submitter. Criteria: CeGaT Center For Human Genetics Tuebingen Variant Classification Criteria Version 2. Collection method: clinical testing. Allele origin: germline. Affected: yes. Observed: 3 variant alleles.